The following is an entry in ClinVar:

ClinVar aggregate classification (germline): Benign/Likely benign. Review status: criteria provided, multiple submitters, no conflicts (2 of 4 stars). 14 submissions from 13 submitters: Benign (10); Likely benign (1). 3 of the submissions do not count toward it. Last evaluated 2026-02-03.

Conditions:
Connective tissue disorder. Also called: Connective tissue disease. Identifiers: MedGen C0009782, MONDO:0003900.
Jeune thoracic dystrophy. Also called: Jeune syndrome; Infantile thoracic dystrophy; Thoracic pelvic phalangeal dystrophy; Jeune's syndrome; Chondroectodermal dysplasia-like syndrome; Short-rib thoracic dysplasia. Identifiers: Orphanet 474, MedGen C0265275, MONDO:0018770.
Nephronophthisis. Also called: Juvenile Nephronophthisis. Identifiers: Orphanet 655, MedGen C0687120, MONDO:0019005, HP:0000090.
Asphyxiating thoracic dystrophy 4 (SRTD4). Also called: SHORT-RIB THORACIC DYSPLASIA 4 WITH OR WITHOUT POLYDACTYLY; SHORT-RIB THORACIC DYSPLASIA 4. Identifiers: Orphanet 474, MedGen C3151185, MONDO:0013441, OMIM 613819.
Nephronophthisis 12 (NPHP12). Identifiers: Orphanet 655, MedGen C3151186, MONDO:0013442, OMIM 613820.

Allele frequency attached by ClinVar (database versions not stated): ESP Exome Variant Server 0.00630; gnomAD 0.01854 and 0.01776; gnomAD exomes 0.02930 and 0.01286; 1000 Genomes Project 30x 0.03389; ExAC 0.02384; TOPMed 0.02433; 1000 Genomes Project 0.03155.
gnomAD v4.1: 21,518 of 1,613,684 alleles (1.3%); highest among the groups gnomAD compares: Admixed American, 12%; 699 homozygotes.

Submissions (14):

Labcorp Genetics (formerly Invitae), Labcorp
Classification: Benign for Jeune thoracic dystrophy; Nephronophthisis. Last evaluated: 2026-02-03. Review status: criteria provided, single submitter. Criteria: Invitae Variant Classification Sherloc (09022015). Collection method: clinical testing. Allele origin: germline.

ARUP Laboratories, Molecular Genetics and Genomics, ARUP Laboratories
Classification: Benign. Last evaluated: 2025-07-02. Review status: criteria provided, single submitter. Criteria: ARUP Molecular Germline Variant Investigation Process 2024. Collection method: clinical testing. Allele origin: germline.

Blueprint Genetics
Classification: Likely benign. Last evaluated: 2024-11-25. Review status: criteria provided, single submitter. Criteria: ACMG Guidelines, 2015. Collection method: clinical testing. Allele origin: germline.

Mayo Clinic Laboratories, Mayo Clinic
Classification: Benign. Last evaluated: 2023-01-24. Review status: criteria provided, single submitter. Criteria: ACMG Guidelines, 2015. Collection method: clinical testing. Allele origin: germline. Observed: 15 variant alleles.

Genome Diagnostics Laboratory, The Hospital for Sick Children
Classification: Benign for Connective tissue disorder. Last evaluated: 2022-05-26. Review status: criteria provided, single submitter. Criteria: ACMG Guidelines, 2015. Collection method: clinical testing. Allele origin: germline.

Illumina Laboratory Services, Illumina
Classification: Benign for Asphyxiating thoracic dystrophy 4. Last evaluated: 2018-01-12. Review status: criteria provided, single submitter. Criteria: ICSL Variant Classification Criteria 13 December 2019. Collection method: clinical testing. Allele origin: germline.
Comment: This variant was observed in the ICSL laboratory as part of a predisposition screen in an ostensibly healthy population. It had not been previously curated by ICSL or reported in the Human Gene Mutation Database (HGMD: prior to June 1st, 2018), and was therefore a candidate for classification through an automated scoring system. Utilizing variant allele frequency, disease prevalence and penetrance estimates, and inheritance mode, an automated score was calculated to assess if this variant is too frequent to cause the disease. Based on the score and internal cut-off values, a variant classified as benign is not then subjected to further curation. The score for this variant resulted in a classification of benign for this disease.

Illumina Laboratory Services, Illumina
Classification: Benign for Nephronophthisis 12. Last evaluated: 2018-01-12. Review status: criteria provided, single submitter. Criteria: ICSL Variant Classification Criteria 13 December 2019. Collection method: clinical testing. Allele origin: germline.
Comment: the same text as in the submission from Illumina Laboratory Services, Illumina above.

GeneDx
Classification: Benign. Last evaluated: 2016-03-08. Review status: criteria provided, single submitter. Criteria: GeneDx Variant Classification (06012015). Collection method: clinical testing. Allele origin: germline. Affected: yes.
Comment: This variant is considered likely benign or benign based on one or more of the following criteria: it is a conservative change, it occurs at a poorly conserved position in the protein, it is predicted to be benign by multiple in silico algorithms, and/or has population frequency not consistent with disease.

Eurofins Ntd Llc (ga)
Classification: Benign. Last evaluated: 2013-10-10. Review status: criteria provided, single submitter. Criteria: EGL Classification Definitions 2015. Collection method: clinical testing. Allele origin: germline. Observed: 2 variant alleles, 2 heterozygotes.

Breakthrough Genomics
Classification: Benign. Review status: criteria provided, single submitter. Criteria: ACMG Guidelines, 2015. Collection method: not provided. Allele origin: germline. Inheritance: Autosomal recessive inheritance. Affected: yes.

PreventionGenetics, part of Exact Sciences
Classification: Benign. Review status: criteria provided, single submitter. Criteria: ACMG Guidelines, 2015. Collection method: clinical testing. Allele origin: germline.

Clinical Genetics DNA and cytogenetics Diagnostics Lab, Erasmus MC, Erasmus Medical Center
Classification: Likely benign. Review status: no assertion criteria provided. Collection method: clinical testing. Allele origin: germline. Affected: yes. Study: VKGL Data-share Consensus. Not counted in ClinVar's aggregate classification.

Genetic Services Laboratory, University of Chicago
Classification: Likely benign for AllHighlyPenetrant. Review status: no assertion criteria provided. Collection method: clinical testing. Allele origin: germline. Inheritance: Autosomal recessive inheritance. Not counted in ClinVar's aggregate classification.
Comment: Likely benign based on allele frequency in 1000 Genomes Project or ESP global frequency and its presence in a patient with a rare or unrelated disease phenotype. NOT Sanger confirmed.

Laboratory of Diagnostic Genome Analysis, Leiden University Medical Center (LUMC)
Classification: Likely benign. Review status: no assertion criteria provided. Collection method: clinical testing. Allele origin: germline. Affected: yes. Study: VKGL Data-share Consensus. Not counted in ClinVar's aggregate classification.

NM_024753.5(TTC21B):c.1417C>T (p.Leu473Phe)

Gene: TTC21B (tetratricopeptide repeat domain 21B; minus strand). Cytogenetic location: 2q24.3.
Variant type: single nucleotide variant.
Coding change: c.1417C>T on transcript NM_024753.5 (MANE Select); coding-DNA position 1417, C replaced by T.
Protein change: p.Leu473Phe; replaces leucine 473 with phenylalanine.
Molecular consequence: missense variant.
Genome position (GRCh38, 1-based): chr2:165,924,648, G>A on the plus strand (C>T on the coding strand, the complement: TTC21B is on the minus strand). VCF-style: chr2-165924648-G-A. GRCh37 (hg19) VCF-style: chr2-166781158-G-A.
Other names: short protein forms L473F.
Identifiers: ClinVar variation 96137 (VCV000096137.43), dbSNP rs2163649, ClinGen allele CA149274.
Genomic context (GRCh38, chr2:165,924,648, plus strand): 5'-GCAGAAGACCTGGAACAGTTCTTACTACAGTCTCCAGGACTGAGATGCAACGCCTGAGAA[G>A]TGGACAAAGAGGTTGCCCAGGACTTGCAGGCTAAACAAAACAAATCAGCAGATCATTTTA-3'
Protein context (NP_079029.3, residues 463-483): PASPGQPLCP[Leu473Phe]LRRCISVLET